The following is an entry in ClinVar:

NM_000169.3(GLA):c.663G>C (p.Gln221His)

Genes: GLA (galactosidase alpha; minus strand), RPL36A-HNRNPH2 (RPL36A-HNRNPH2 readthrough; plus strand). Cytogenetic location: Xq22.1.
Variant type: single nucleotide variant.
Coding change: c.663G>C on transcript NM_000169.3 (MANE Select); coding-DNA position 663, G replaced by C.
Protein change: p.Gln221His; replaces glutamine 221 with histidine.
Molecular consequence: missense variant. On other transcripts: non-coding transcript variant (3), intron variant (2).
Genome position (GRCh38, 1-based): chrX:101,398,923, C>G on the plus strand (G>C on the coding strand, the complement: GLA is on the minus strand). VCF-style: chrX-101398923-C-G. GRCh37 (hg19) VCF-style: chrX-100653911-C-G.
Other names: c.786G>C, p.Gln262His (NM_001406747.1); c.663G>C, p.Gln221His (NM_001406748.1); c.300+3466C>G (NM_001199973.2); c.177+7101C>G (NM_001199974.2); short protein forms Q221H, Q262H.
Identifiers: ClinVar variation 4087455 (VCV004087455.2).

ClinVar aggregate classification (germline): Uncertain significance (1 of 4 stars; one submission).

Conditions:
Fabry disease. Also called: ALPHA-GALACTOSIDASE A DEFICIENCY; ANDERSON-FABRY DISEASE; CERAMIDE TRIHEXOSIDASE DEFICIENCY; GLA DEFICIENCY; HEREDITARY DYSTOPIC LIPIDOSIS; Angiokeratoma corporis diffusum. Identifiers: Orphanet 324, MedGen C0002986, MONDO:0010526, OMIM 301500, HP:0001071. Disease mechanism: Fabry disease is due to inactivating mutations in the X-linked GLA gene resulting in deficiency of the enzyme Alpha Galactosidase-A., loss of function.

Submission:

Genomenon, Inc
Classification: Uncertain significance for Fabry disease. Last evaluated: 2026-09-08. Review status: criteria provided, single submitter. Criteria: Genomenon Sequence Variant Interpretation Standards - Updated. Collection method: curation. Allele origin: germline. Affected: no.
Comment: GLA p.Gln221His (c.663G>C) is a missense variant that changes the amino acid at codon 221 from Glutamine to Histidine. This variant has been reported in the published literature (PMID:32023956). It is absent or not present at a significant frequency in gnomAD. In conclusion, we classify GLA p.Gln221His (c.663G>C) as a variant of uncertain significance.

Literature cited by the submitters: PubMed 32023956.